The following is an entry in ClinVar:

ClinVar aggregate classification (germline): Likely benign. Review status: criteria provided, multiple submitters, no conflicts (2 of 4 stars). 3 submissions from 3 submitters: Likely benign (3). Last evaluated 2025-07-10.

Conditions:
Lymphangiomyomatosis (LAM). Also called: Lymphangioleiomyomatosis; Lymphangioleiomyomatosis, somatic. Identifiers: Orphanet 538, MedGen C0751674, MONDO:0011705, OMIM 606690.
Isolated focal cortical dysplasia type II (FCORD2). Also called: CORTICAL DYSPLASIA OF TAYLOR; Focal cortical dysplasia type II. Identifiers: Orphanet 268994, MedGen C1846385, MONDO:0011818, OMIM 607341, HP:0032051.
Tuberous sclerosis 2 (TSC2). Identifiers: Orphanet 805, MedGen C1860707, MONDO:0013199, OMIM 613254.

Allele frequency attached by ClinVar (database versions not stated): gnomAD exomes below 0.00001.
gnomAD v4.1: 1 of 1,613,710 alleles (0.000062%); highest among the groups gnomAD compares: Non-Finnish European, 0.000085%; no homozygotes.

Submissions (3):

Labcorp Genetics (formerly Invitae), Labcorp
Classification: Likely benign for Tuberous sclerosis 2. Last evaluated: 2025-07-10. Review status: criteria provided, single submitter. Criteria: Invitae Variant Classification Sherloc (09022015). Collection method: clinical testing. Allele origin: germline.

Myriad Genetics, Inc.
Classification: Likely benign for Tuberous sclerosis 2. Last evaluated: 2025-05-08. Review status: criteria provided, single submitter. Criteria: Myriad Autosomal Dominant, Autosomal Recessive and X-Linked Classification Criteria (2023). Collection method: clinical testing. Allele origin: unknown.
Comment: This variant is considered likely benign. This variant is intronic and is not expected to impact mRNA splicing.

Fulgent Genetics
Classification: Likely benign for Lymphangiomyomatosis; Isolated focal cortical dysplasia type II; Tuberous sclerosis 2. Last evaluated: 2021-07-03. Review status: criteria provided, single submitter. Criteria: ACMG Guidelines, 2015. Collection method: clinical testing. Allele origin: unknown.

NM_000548.5(TSC2):c.600-18G>C

Gene: TSC2 (TSC complex subunit 2; plus strand). Cytogenetic location: 16p13.3.
Variant type: single nucleotide variant.
Coding change: c.600-18G>C on transcript NM_000548.5 (MANE Select); 18 bases into the intron before coding-DNA position 600, G replaced by C.
Molecular consequence: intron variant.
Genome position (GRCh38, 1-based): chr16:2,056,178, G>C. VCF-style: chr16-2056178-G-C. GRCh37 (hg19) VCF-style: chr16-2106179-G-C.
Other names: c.600-18G>C (NM_001114382.3, NM_021055.3, NM_001370405.1 and 3 more transcripts); c.489-18G>C (NM_001318827.2); c.-1-18G>C (NM_001318831.2); c.453-18G>C (NM_001318829.2); c.633-18G>C (NM_001318832.2).
Identifiers: ClinVar variation 1673777 (VCV001673777.10), dbSNP rs199683502, ClinGen allele CA394310393.